The following is an entry in ClinVar:

ClinVar aggregate classification (germline): Uncertain significance. Review status: criteria provided, multiple submitters, no conflicts (2 of 4 stars). 2 submissions from 2 submitters: Uncertain significance (2). Last evaluated 2025-10-20.

Allele frequency attached by ClinVar (database versions not stated): gnomAD exomes below 0.00001; gnomAD 0.00001; TOPMed 0.00001.
gnomAD v4.1: 7 of 1,613,828 alleles (0.00043%); highest among the groups gnomAD compares: South Asian, 0.0011%; no homozygotes.

Submissions (2):

Labcorp Genetics (formerly Invitae), Labcorp
Classification: Uncertain significance. Last evaluated: 2025-10-20. Review status: criteria provided, single submitter. Criteria: Invitae Variant Classification Sherloc (09022015). Collection method: clinical testing. Allele origin: germline.
Comment: This sequence change replaces arginine, which is basic and polar, with glutamine, which is neutral and polar, at codon 736 of the VAV1 protein (p.Arg736Gln). This variant is present in population databases (rs752795410, gnomAD 0.007%). This variant has not been reported in the literature in individuals affected with VAV1-related conditions. ClinVar contains an entry for this variant (Variation ID: 2315149). An algorithm developed to predict the effect of missense changes on protein structure and function (PolyPhen-2) suggests that this variant is likely to be disruptive. In summary, the available evidence is currently insufficient to determine the role of this variant in disease. Therefore, it has been classified as a Variant of Uncertain Significance.

Ambry Genetics
Classification: Uncertain significance. Last evaluated: 2022-10-03. Review status: criteria provided, single submitter. Criteria: Ambry Variant Classification Scheme 2023. Collection method: clinical testing. Allele origin: germline.

NM_005428.4(VAV1):c.2207G>A (p.Arg736Gln)

Gene: VAV1 (vav guanine nucleotide exchange factor 1; plus strand). Cytogenetic location: 19p13.3.
Variant type: single nucleotide variant.
Coding change: c.2207G>A on transcript NM_005428.4 (MANE Select); coding-DNA position 2207, G replaced by A.
Protein change: p.Arg736Gln; replaces arginine 736 with glutamine.
Molecular consequence: missense variant.
Genome position (GRCh38, 1-based): chr19:6,850,747, G>A. VCF-style: chr19-6850747-G-A. GRCh37 (hg19) VCF-style: chr19-6850758-G-A.
Other names: c.2141G>A, p.Arg714Gln (NM_001258206.2); c.2111G>A, p.Arg704Gln (NM_001258207.2); short protein forms R704Q, R714Q, R736Q.
Identifiers: ClinVar variation 2315149 (VCV002315149.3), dbSNP rs752795410, ClinGen allele CA304825537.